The following is an entry in ClinVar:

ClinVar aggregate classification (germline): Likely benign. Review status: criteria provided, single submitter (1 of 4 stars). 2 submissions from 1 submitter: Likely benign (2). Last evaluated 2018-01-12.

Conditions:
Short-rib thoracic dysplasia 7 with or without polydactyly (SRTD7). Also called: Short rib polydactyly syndrome 5; SHORT-RIB THORACIC DYSPLASIA 7 WITH POLYDACTYLY. Identifiers: Orphanet 498497, Orphanet 93271, MedGen C3279792, MONDO:0013569, OMIM 614091.
Cranioectodermal dysplasia 2 (CED2). Identifiers: Orphanet 1515, MedGen C3150874, MONDO:0013323, OMIM 613610.

Allele frequency attached by ClinVar (database versions not stated): 1000 Genomes Project 0.00040; gnomAD 0.00026 and 0.00027; TOPMed 0.00027; 1000 Genomes Project 30x 0.00031.

Submissions (2):

Illumina Laboratory Services, Illumina
Classification: Likely benign for Short-rib thoracic dysplasia 7 with or without polydactyly. Last evaluated: 2018-01-12. Review status: criteria provided, single submitter. Criteria: ICSL Variant Classification Criteria 13 December 2019. Collection method: clinical testing. Allele origin: germline.
Comment: This variant was observed in the ICSL laboratory as part of a predisposition screen in an ostensibly healthy population. It had not been previously curated by ICSL or reported in the Human Gene Mutation Database (HGMD: prior to June 1st, 2018), and was therefore a candidate for classification through an automated scoring system. Utilizing variant allele frequency, disease prevalence and penetrance estimates, and inheritance mode, an automated score was calculated to assess if this variant is too frequent to cause the disease. Based on the score and internal cut-off values, a variant classified as likely benign is not then subjected to further curation. The score for this variant resulted in a classification of likely benign for this disease.

Illumina Laboratory Services, Illumina
Classification: Likely benign for Cranioectodermal dysplasia 2. Last evaluated: 2018-01-12. Review status: criteria provided, single submitter. Criteria: ICSL Variant Classification Criteria 13 December 2019. Collection method: clinical testing. Allele origin: germline.
Comment: the same text as in the submission from Illumina Laboratory Services, Illumina above.

NM_020779.4(WDR35):c.*807T>C

Gene: WDR35 (WD repeat domain 35; minus strand). Cytogenetic location: 2p24.1.
Variant type: single nucleotide variant.
Coding change: c.*807T>C on transcript NM_020779.4 (MANE Select); 807 bases downstream of the stop codon, T replaced by C.
Molecular consequence: 3 prime UTR variant.
Genome position (GRCh38, 1-based): chr2:19,912,751, A>G on the plus strand (T>C on the coding strand, the complement: WDR35 is on the minus strand). VCF-style: chr2-19912751-A-G. GRCh37 (hg19) VCF-style: chr2-20112512-A-G.
Other names: c.*807T>C (NM_001006657.2).
Identifiers: ClinVar variation 896318 (VCV000896318.4), dbSNP rs555257043, ClinGen allele CA43853250.